The following is an entry in ClinVar:

ClinVar aggregate classification (germline): Uncertain significance (1 of 4 stars; one submission).

Allele frequency attached by ClinVar (database versions not stated): gnomAD exomes below 0.00001.
gnomAD v4.1: 1 of 1,189,970 alleles (0.000084%); highest among the groups gnomAD compares: Non-Finnish European, 0.00011%; no homozygotes.

Submission:

Labcorp Genetics (formerly Invitae), Labcorp
Classification: Uncertain significance. Last evaluated: 2023-01-12. Review status: criteria provided, single submitter. Criteria: Invitae Variant Classification Sherloc (09022015). Collection method: clinical testing. Allele origin: germline.
Comment: This sequence change replaces leucine, which is neutral and non-polar, with methionine, which is neutral and non-polar, at codon 226 of the STAG2 protein (p.Leu226Met). This variant is present in population databases (no rsID available, gnomAD 0.001%), including at least one homozygous and/or hemizygous individual. This variant has not been reported in the literature in individuals affected with STAG2-related conditions. Advanced modeling of protein sequence and biophysical properties (such as structural, functional, and spatial information, amino acid conservation, physicochemical variation, residue mobility, and thermodynamic stability) performed at Invitae indicates that this missense variant is not expected to disrupt STAG2 protein function. In summary, the available evidence is currently insufficient to determine the role of this variant in disease. Therefore, it has been classified as a Variant of Uncertain Significance.

NM_001042750.2(STAG2):c.676T>A (p.Leu226Met)

Gene: STAG2 (STAG2 cohesin complex component; plus strand). Cytogenetic location: Xq25.
Variant type: single nucleotide variant.
Coding change: c.676T>A on transcript NM_001042750.2 (MANE Select); coding-DNA position 676, T replaced by A.
Protein change: p.Leu226Met; replaces leucine 226 with methionine.
Molecular consequence: missense variant.
Genome position (GRCh38, 1-based): chrX:124,047,362, T>A. VCF-style: chrX-124047362-T-A. GRCh37 (hg19) VCF-style: chrX-123181212-T-A.
Other names: c.676T>A, p.Leu226Met (NM_001042749.2, NM_001042751.2, NM_001282418.2 and 13 more transcripts); short protein forms L226M.
Identifiers: ClinVar variation 2984294 (VCV002984294.3), dbSNP rs1350524820, ClinGen allele CA414275286.
Genomic context (GRCh38, chrX:124,047,362, plus strand): 5'-ATTTTTGTGTCTGTTAGATTAGTTTCACCATACTTTTACTCTTTAAAAATAGCTATGAAG[T>A]TGATGACAGCTTTGGTGAATGTGGCACTAAATCTTAGCATTAATATGGATAATACACAAA-3'
Protein context (NP_001036215.1, residues 216-236): RHTSTLAAMK[Leu226Met]MTALVNVALN